The following is an entry in ClinVar:

NM_022124.6(CDH23):c.7132G>A (p.Gly2378Arg)

Gene: CDH23 (cadherin related 23; plus strand). Cytogenetic location: 10q22.1.
Variant type: single nucleotide variant.
Coding change: c.7132G>A on transcript NM_022124.6 (MANE Select); coding-DNA position 7132, G replaced by A.
Protein change: p.Gly2378Arg; replaces glycine 2378 with arginine.
Molecular consequence: missense variant.
Genome position (GRCh38, 1-based): chr10:71,799,188, G>A. VCF-style: chr10-71799188-G-A. GRCh37 (hg19) VCF-style: chr10-73558945-G-A.
Other names: c.412G>A, p.Gly138Arg (NM_001171933.1, NM_001171934.1); short protein forms G2378R, G138R.
Identifiers: ClinVar variation 46027 (VCV000046027.12), dbSNP rs181197242, ClinGen allele CA137563.

ClinVar aggregate classification (germline): Uncertain significance. Review status: criteria provided, multiple submitters, no conflicts (2 of 4 stars). 4 submissions from 4 submitters: Uncertain significance (3). 1 of the submissions does not count toward it. Last evaluated 2025-10-06.

Conditions:
CDH23-related disorder. Also called: CDH23-related disorders; CDH23-related condition.
Usher syndrome type 1 (USH1). Also called: RETINITIS PIGMENTOSA AND CONGENITAL DEAFNESS. Identifiers: Orphanet 231169, Orphanet 886, MedGen C1568247, MONDO:0010168, OMIM 276900.

Allele frequency attached by ClinVar (database versions not stated): gnomAD exomes 0.00001 and 0.00003; TOPMed 0.00001; ExAC 0.00003; gnomAD 0.00003 and 0.00001; 1000 Genomes Project 0.00080; 1000 Genomes Project 30x 0.00094.
gnomAD v4.1: 19 of 1,614,014 alleles (0.0012%); highest among the groups gnomAD compares: Admixed American, 0.01%; no homozygotes.

Submissions (4):

PreventionGenetics, part of Exact Sciences
Classification: Uncertain significance for CDH23-related condition. Last evaluated: 2025-10-06. Review status: criteria provided, single submitter. Criteria: ACMG Guidelines, 2015. Collection method: clinical testing. Allele origin: germline.
Comment: The CDH23 c.7132G>A variant is predicted to result in the amino acid substitution p.Gly2378Arg. This variant has been reported along with a second likely pathogenic variant in a patient with hearing loss (described as p.Gly138Arg, Table S6, Wu et al. 2022. PubMed ID: 35982127). This variant is reported in 0.014% of alleles in individuals of Latino descent in gnomAD. At this time, the clinical significance of this variant is uncertain due to the absence of conclusive functional and genetic evidence.

Labcorp Genetics (formerly Invitae), Labcorp
Classification: Uncertain significance. Last evaluated: 2024-10-23. Review status: criteria provided, single submitter. Criteria: Invitae Variant Classification Sherloc (09022015). Collection method: clinical testing. Allele origin: germline.
Comment: This sequence change replaces glycine, which is neutral and non-polar, with arginine, which is basic and polar, at codon 2378 of the CDH23 protein (p.Gly2378Arg). This variant is present in population databases (rs181197242, gnomAD 0.01%). This missense change has been observed in individual(s) with profound hearing loss (PMID: 35982127). This variant is also known as c.412G>A (p.Gly138Arg). ClinVar contains an entry for this variant (Variation ID: 46027). Invitae Evidence Modeling of protein sequence and biophysical properties (such as structural, functional, and spatial information, amino acid conservation, physicochemical variation, residue mobility, and thermodynamic stability) has been performed for this missense variant. However, the output from this modeling did not meet the statistical confidence thresholds required to predict the impact of this variant on CDH23 protein function. In summary, the available evidence is currently insufficient to determine the role of this variant in disease. Therefore, it has been classified as a Variant of Uncertain Significance.

Laboratory for Molecular Medicine, Mass General Brigham Personalized Medicine
Classification: Uncertain significance. Last evaluated: 2011-11-04. Review status: criteria provided, single submitter. Criteria: LMM Criteria. Collection method: clinical testing. Allele origin: germline. Observed: 1 variant allele.
Comment: The Gly2378Arg variant in CDH23 has not been reported in the literature, nor pre viously identified by our laboratory. This residue is conserved across species a nd computational analyses (PolyPhen2, SIFT, AlignGVGD) suggest that the Gly2378A rg variant may impact the protein. However, this information is not predictive e nough to assume pathogenicity. In summary, the clinical significance of this var iant cannot be determined with certainty at this time.

Natera, Inc.
Classification: Uncertain significance for Usher syndrome type 1. Last evaluated: 2020-09-16. Review status: no assertion criteria provided. Collection method: clinical testing. Allele origin: germline. Not counted in ClinVar's aggregate classification.

Literature cited by the submitters: PubMed 35982127 (cited by Labcorp Genetics (formerly Invitae), Labcorp).